The following is an entry in ClinVar:

NM_007347.5(AP4E1):c.3277C>G (p.Gln1093Glu)

Gene: AP4E1 (adaptor related protein complex 4 subunit epsilon 1; plus strand). Cytogenetic location: 15q21.2.
Variant type: single nucleotide variant.
Coding change: c.3277C>G on transcript NM_007347.5 (MANE Select); coding-DNA position 3277, C replaced by G.
Protein change: p.Gln1093Glu; replaces glutamine 1093 with glutamic acid.
Molecular consequence: missense variant.
Genome position (GRCh38, 1-based): chr15:51,002,525, C>G. VCF-style: chr15-51002525-C-G. GRCh37 (hg19) VCF-style: chr15-51294722-C-G.
Other names: c.3052C>G, p.Gln1018Glu (NM_001252127.2); c.3277C>G (NM_007347.3); short protein forms Q1093E, Q1018E.
Identifiers: ClinVar variation 807259 (VCV000807259.54), dbSNP rs773929706, ClinGen allele CA7559486.

ClinVar aggregate classification (germline): Uncertain significance. Review status: criteria provided, multiple submitters, no conflicts (2 of 4 stars). 4 submissions from 4 submitters: Uncertain significance (4). Last evaluated 2025-08-21.

Conditions:
Spastic paraplegia. Identifiers: MedGen C0037772, HP:0001258.
Hereditary spastic paraplegia. Also called: Familial spastic paraparesis. Identifiers: Orphanet 685, MedGen C0037773, MONDO:0019064. Disease mechanism: loss of function.
Inborn genetic diseases. Identifiers: MedGen C0950123, MeSH D030342.

Allele frequency attached by ClinVar (database versions not stated): ExAC 0.00001; gnomAD 0.00003; gnomAD exomes 0.00003; TOPMed 0.00006.
gnomAD v4.1: 39 of 1,614,030 alleles (0.0024%); highest among the groups gnomAD compares: Middle Eastern, 0.066%; no homozygotes.

Submissions (4):

Ambry Genetics
Classification: Uncertain significance for Inborn genetic diseases. Last evaluated: 2025-08-21. Review status: criteria provided, single submitter. Criteria: Ambry Variant Classification Scheme 2023. Collection method: clinical testing. Allele origin: germline.

Labcorp Genetics (formerly Invitae), Labcorp
Classification: Uncertain significance for Spastic paraplegia. Last evaluated: 2022-08-10. Review status: criteria provided, single submitter. Criteria: Invitae Variant Classification Sherloc (09022015). Collection method: clinical testing. Allele origin: germline.
Comment: In summary, the available evidence is currently insufficient to determine the role of this variant in disease. Therefore, it has been classified as a Variant of Uncertain Significance. Algorithms developed to predict the effect of missense changes on protein structure and function are either unavailable or do not agree on the potential impact of this missense change (SIFT: "Deleterious"; PolyPhen-2: "Benign"; Align-GVGD: "Class C0"). ClinVar contains an entry for this variant (Variation ID: 807259). This variant has not been reported in the literature in individuals affected with AP4E1-related conditions. This variant is present in population databases (rs773929706, gnomAD 0.009%), including at least one homozygous and/or hemizygous individual. This sequence change replaces glutamine, which is neutral and polar, with glutamic acid, which is acidic and polar, at codon 1093 of the AP4E1 protein (p.Gln1093Glu).

Genome Diagnostics Laboratory, The Hospital for Sick Children
Classification: Uncertain significance for Hereditary spastic paraplegia. Last evaluated: 2020-04-01. Review status: criteria provided, single submitter. Criteria: ACMG Guidelines, 2015. Collection method: clinical testing. Allele origin: germline. Affected: yes.

CeGaT Center for Human Genetics Tuebingen
Classification: Uncertain significance. Last evaluated: 2018-05-01. Review status: criteria provided, single submitter. Criteria: CeGaT Center For Human Genetics Tuebingen Variant Classification Criteria Version 2. Collection method: clinical testing. Allele origin: germline. Affected: yes. Observed: 1 variant allele.